The following is an entry in ClinVar:

ClinVar aggregate classification (germline): Uncertain significance (1 of 4 stars; one submission).

Conditions:
Deficiency of aromatic-L-amino-acid decarboxylase. Also called: AADC DEFICIENCY; DDC DEFICIENCY; DOPA DECARBOXYLASE DEFICIENCY; Aromatic L-Amino Acid Decarboxylase Deficiency; Aromatic amino acid decarboxylase deficiency. Identifiers: Orphanet 35708, MedGen C1291564, MONDO:0012084, OMIM 608643.

Allele frequency attached by ClinVar (database versions not stated): gnomAD exomes below 0.00001.
gnomAD v4.1: 5 of 1,613,226 alleles (0.00031%); highest among the groups gnomAD compares: Non-Finnish European, 0.00042%; no homozygotes.

Submission:

Labcorp Genetics (formerly Invitae), Labcorp
Classification: Uncertain significance for Deficiency of aromatic-L-amino-acid decarboxylase. Last evaluated: 2022-03-20. Review status: criteria provided, single submitter. Criteria: Invitae Variant Classification Sherloc (09022015). Collection method: clinical testing. Allele origin: germline.
Comment: In summary, the available evidence is currently insufficient to determine the role of this variant in disease. Therefore, it has been classified as a Variant of Uncertain Significance. Algorithms developed to predict the effect of sequence changes on RNA splicing suggest that this variant may disrupt the consensus splice site. This variant has not been reported in the literature in individuals affected with DDC-related conditions. This variant is not present in population databases (gnomAD no frequency). This sequence change affects codon 305 of the DDC mRNA. It is a 'silent' change, meaning that it does not change the encoded amino acid sequence of the DDC protein.

NM_001082971.2(DDC):c.913C>T (p.Leu305=)

Gene: DDC (dopa decarboxylase; minus strand). Cytogenetic location: 7p12.2.
Variant type: single nucleotide variant.
Coding change: c.913C>T on transcript NM_001082971.2 (MANE Select); coding-DNA position 913, C replaced by T.
Protein change: p.Leu305=; no amino-acid change (leucine 305 retained).
Molecular consequence: synonymous variant.
Genome position (GRCh38, 1-based): chr7:50,495,381, G>A on the plus strand (C>T on the coding strand, the complement: DDC is on the minus strand). VCF-style: chr7-50495381-G-A. GRCh37 (hg19) VCF-style: chr7-50563079-G-A.
Other names: c.913C>T, p.Leu305= (NM_000790.4, NM_001242890.2); c.799C>T, p.Leu267= (NM_001242886.2); c.769C>T, p.Leu257= (NM_001242887.2); c.679C>T, p.Leu227= (NM_001242888.2); c.634C>T, p.Leu212= (NM_001242889.2).
Identifiers: ClinVar variation 2158083 (VCV002158083.4), dbSNP rs2535167633, ClinGen allele CA454934999.